The following is an entry in ClinVar:

NM_024740.2(ALG9):c.1550G>A (p.Arg517Gln)

Gene: ALG9 (ALG9 alpha-1,2-mannosyltransferase; minus strand). Cytogenetic location: 11q23.1.
Variant type: single nucleotide variant.
Coding change: c.1550G>A on transcript NM_024740.2 (MANE Select); coding-DNA position 1550, G replaced by A.
Protein change: p.Arg517Gln; replaces arginine 517 with glutamine.
Molecular consequence: missense variant. On other transcripts: non-coding transcript variant (1).
Genome position (GRCh38, 1-based): chr11:111,836,217, C>T on the plus strand (G>A on the coding strand, the complement: ALG9 is on the minus strand). VCF-style: chr11-111836217-C-T. GRCh37 (hg19) VCF-style: chr11-111706940-C-T.
Other names: c.1529G>A, p.Arg510Gln (NM_001077690.1, NM_001352417.1); c.1037G>A, p.Arg346Gln (NM_001077691.2, NM_001352413.1, NM_001352414.2 and 1 more transcripts); c.1016G>A, p.Arg339Gln (NM_001077692.2, NM_001352409.1, NM_001352410.1 and 6 more transcripts); c.1406G>A, p.Arg469Gln (NM_001352418.1); c.941G>A, p.Arg314Gln (NM_001352422.2); c.893G>A, p.Arg298Gln (NM_001352423.2); short protein forms R469Q, R510Q, R314Q, R339Q, R298Q, R346Q, R517Q.
Identifiers: ClinVar variation 2996992 (VCV002996992.4), dbSNP rs782004306, ClinGen allele CA6274392.

ClinVar aggregate classification (germline): Uncertain significance. Review status: criteria provided, multiple submitters, no conflicts (2 of 4 stars). 2 submissions from 2 submitters: Uncertain significance (2). Last evaluated 2024-12-09.

Conditions:
ALG9 congenital disorder of glycosylation (CDG1L). Also called: CDG Il; CONGENITAL DISORDER OF GLYCOSYLATION, TYPE Il; ALG9-CDG. Identifiers: Orphanet 79328, MedGen C2931006, MONDO:0012117, OMIM 608776.

Allele frequency attached by ClinVar (database versions not stated): gnomAD 0.00001; TOPMed 0.00001; ExAC 0.00002.
gnomAD v4.1: 12 of 1,613,802 alleles (0.00074%); highest among the groups gnomAD compares: South Asian, 0.0022%; no homozygotes.

Submissions (2):

GeneDx
Classification: Uncertain significance. Last evaluated: 2024-12-09. Review status: criteria provided, single submitter. Criteria: GeneDx Variant Classification Process June 2021. Collection method: clinical testing. Allele origin: germline. Affected: yes.
Comment: Not observed at significant frequency in large population cohorts (gnomAD); In silico analysis indicates that this missense variant does not alter protein structure/function; Has not been previously published as pathogenic or benign to our knowledge

Labcorp Genetics (formerly Invitae), Labcorp
Classification: Uncertain significance for ALG9 congenital disorder of glycosylation. Last evaluated: 2024-09-06. Review status: criteria provided, single submitter. Criteria: Invitae Variant Classification Sherloc (09022015). Collection method: clinical testing. Allele origin: germline.
Comment: This sequence change replaces arginine, which is basic and polar, with glutamine, which is neutral and polar, at codon 517 of the ALG9 protein (p.Arg517Gln). This variant is present in population databases (rs782004306, gnomAD 0.01%). This variant has not been reported in the literature in individuals affected with ALG9-related conditions. Experimental studies and prediction algorithms are not available or were not evaluated, and the functional significance of this variant is currently unknown. In summary, the available evidence is currently insufficient to determine the role of this variant in disease. Therefore, it has been classified as a Variant of Uncertain Significance.